The following is an entry in ClinVar:

NM_017777.4(MKS1):c.523G>A (p.Gly175Ser)

Gene: MKS1 (MKS transition zone complex subunit 1; minus strand). Cytogenetic location: 17q22.
Variant type: single nucleotide variant.
Coding change: c.523G>A on transcript NM_017777.4 (MANE Select); coding-DNA position 523, G replaced by A.
Protein change: p.Gly175Ser; replaces glycine 175 with serine.
Molecular consequence: missense variant. On other transcripts: 5 prime UTR variant (1).
Genome position (GRCh38, 1-based): chr17:58,214,380, C>T on the plus strand (G>A on the coding strand, the complement: MKS1 is on the minus strand). VCF-style: chr17-58214380-C-T. GRCh37 (hg19) VCF-style: chr17-56291741-C-T.
Other names: c.523G>A (NM_017777.3); c.-87G>A (NM_001321268.2); c.523G>A, p.Gly175Ser (NM_001321269.2, NM_001330397.2); short protein forms G175S.
Identifiers: ClinVar variation 1386478 (VCV001386478.9), dbSNP rs754601373, ClinGen allele CA8669478.
Genomic context (GRCh38, chr17:58,214,380, plus strand): 5'-GGTTGTTCCTGACAAACTCTTCTGAGGGCTCCCAGGTGACGATGCGTGACTTGAGGATGC[C>T]GCCCTCCCTGGGAGACACCACAGAAAGGTCACTTCCCTGGCACACCCCAATGGAGCACCC-3'
Protein context (NP_060247.2, residues 165-185): RRQDRRGMEG[Gly175Ser]ILKSRIVTWE

ClinVar aggregate classification (germline): Conflicting classifications of pathogenicity. Review status: criteria provided, conflicting classifications (1 of 4 stars). 4 submissions from 4 submitters: Uncertain significance (3); Likely benign (1). Last evaluated 2026-04-11.

Conditions:
Inborn genetic diseases. Identifiers: MedGen C0950123, MeSH D030342.
Joubert syndrome. Also called: Familial aplasia of the vermis; JOUBERT-BOLTSHAUSER SYNDROME. Identifiers: Orphanet 475, MedGen C5979921, MONDO:0018772.
Meckel-Gruber syndrome. Also called: Dysencephalia splachnocystica; GRUBER SYNDROME; DYSENCEPHALIA SPLANCHNOCYSTICA. Identifiers: Orphanet 564, MedGen C0265215, MONDO:0018921.
MKS1-related disorder. Also called: MKS1-related condition; MKS1-related disorders. Identifiers: MedGen CN239382.

Allele frequency attached by ClinVar (database versions not stated): ExAC 0.00001; gnomAD 0.00001 and 0.00002; gnomAD exomes 0.00001; TOPMed 0.00001.
gnomAD v4.1: 17 of 1,613,018 alleles (0.0011%); highest among the groups gnomAD compares: African/African-American, 0.0027%; no homozygotes.

Submissions (4):

PreventionGenetics, part of Exact Sciences
Classification: Uncertain significance for MKS1-related condition. Last evaluated: 2026-04-11. Review status: criteria provided, single submitter. Criteria: ACMG Guidelines, 2015. Collection method: clinical testing. Allele origin: germline.
Comment: The MKS1 c.523G>A variant is predicted to result in the amino acid substitution p.Gly175Ser. To our knowledge, this variant has not been reported in the literature in individuals with MKS1-related disorders. This variant is reported in 0.0018% of alleles in individuals of European (Non-Finnish) descent in gnomAD. At this time, the clinical significance of this variant is uncertain due to the absence of conclusive functional and genetic evidence.

GeneDx
Classification: Uncertain significance. Last evaluated: 2025-02-27. Review status: criteria provided, single submitter. Criteria: GeneDx Variant Classification Process June 2021. Collection method: clinical testing. Allele origin: germline.
Comment: Not observed at significant frequency in large population cohorts (gnomAD); In silico analysis indicates that this missense variant does not alter protein structure/function; Has not been previously published as pathogenic or benign to our knowledge

Ambry Genetics
Classification: Likely benign for Inborn genetic diseases. Last evaluated: 2023-01-26. Review status: criteria provided, single submitter. Criteria: Ambry Variant Classification Scheme 2023. Collection method: clinical testing. Allele origin: germline.

Labcorp Genetics (formerly Invitae), Labcorp
Classification: Uncertain significance for Joubert syndrome; Meckel-Gruber syndrome. Last evaluated: 2022-08-16. Review status: criteria provided, single submitter. Criteria: Invitae Variant Classification Sherloc (09022015). Collection method: clinical testing. Allele origin: germline.
Comment: This sequence change replaces glycine, which is neutral and non-polar, with serine, which is neutral and polar, at codon 175 of the MKS1 protein (p.Gly175Ser). This variant is present in population databases (rs754601373, gnomAD 0.0009%). This variant has not been reported in the literature in individuals affected with MKS1-related conditions. ClinVar contains an entry for this variant (Variation ID: 1386478). Advanced modeling of protein sequence and biophysical properties (such as structural, functional, and spatial information, amino acid conservation, physicochemical variation, residue mobility, and thermodynamic stability) performed at Invitae indicates that this missense variant is not expected to disrupt MKS1 protein function. In summary, the available evidence is currently insufficient to determine the role of this variant in disease. Therefore, it has been classified as a Variant of Uncertain Significance.